The following is an entry in ClinVar:

ClinVar aggregate classification (germline): Uncertain significance. Review status: criteria provided, multiple submitters, no conflicts (2 of 4 stars). 2 submissions from 2 submitters: Uncertain significance (2). Last evaluated 2025-12-05.

Conditions:
Inborn genetic diseases. Identifiers: MedGen C0950123, MeSH D030342.

Allele frequency attached by ClinVar (database versions not stated): gnomAD exomes below 0.00001; TOPMed below 0.00001; gnomAD 0.00001.
gnomAD v4.1: 3 of 1,132,356 alleles (0.00026%); highest among the groups gnomAD compares: Admixed American, 0.014%; no homozygotes.

Submissions (2):

Labcorp Genetics (formerly Invitae), Labcorp
Classification: Uncertain significance. Last evaluated: 2025-12-05. Review status: criteria provided, single submitter. Criteria: Invitae Variant Classification Sherloc (09022015). Collection method: clinical testing. Allele origin: germline.
Comment: This sequence change replaces alanine, which is neutral and non-polar, with valine, which is neutral and non-polar, at codon 18 of the DEAF1 protein (p.Ala18Val). This variant is not present in population databases (gnomAD no frequency). This variant has not been reported in the literature in individuals affected with DEAF1-related conditions. ClinVar contains an entry for this variant (Variation ID: 1447390). Invitae Evidence Modeling of protein sequence and biophysical properties (such as structural, functional, and spatial information, amino acid conservation, physicochemical variation, residue mobility, and thermodynamic stability) indicates that this missense variant is not expected to disrupt DEAF1 protein function with a negative predictive value of 80%. In summary, the available evidence is currently insufficient to determine the role of this variant in disease. Therefore, it has been classified as a Variant of Uncertain Significance.

Ambry Genetics
Classification: Uncertain significance for Inborn genetic diseases. Last evaluated: 2024-01-22. Review status: criteria provided, single submitter. Criteria: Ambry Variant Classification Scheme 2023. Collection method: clinical testing. Allele origin: germline.

NM_021008.4(DEAF1):c.53C>T (p.Ala18Val)

Gene: DEAF1 (DEAF1 transcription factor; minus strand). Cytogenetic location: 11p15.5.
Variant type: single nucleotide variant.
Coding change: c.53C>T on transcript NM_021008.4 (MANE Select); coding-DNA position 53, C replaced by T.
Protein change: p.Ala18Val; replaces alanine 18 with valine.
Molecular consequence: missense variant. On other transcripts: intron variant (1).
Genome position (GRCh38, 1-based): chr11:694,995, G>A on the plus strand (C>T on the coding strand, the complement: DEAF1 is on the minus strand). VCF-style: chr11-694995-G-A. GRCh37 (hg19) VCF-style: chr11-694995-G-A.
Other names: c.53C>T, p.Ala18Val (NM_001293634.2); c.-437-3397C>T (NM_001367390.1); short protein forms A18V.
Identifiers: ClinVar variation 1447390 (VCV001447390.9), dbSNP rs1861056688, ClinGen allele CA378940466.